The following is an entry in ClinVar:

NM_000368.5(TSC1):c.3406G>A (p.Asp1136Asn)

Gene: TSC1 (TSC complex subunit 1; minus strand). Cytogenetic location: 9q34.13.
Variant type: single nucleotide variant.
Coding change: c.3406G>A on transcript NM_000368.5 (MANE Select); coding-DNA position 3406, G replaced by A.
Protein change: p.Asp1136Asn; replaces aspartic acid 1136 with asparagine.
Molecular consequence: missense variant.
Genome position (GRCh38, 1-based): chr9:132,896,324, C>T on the plus strand (G>A on the coding strand, the complement: TSC1 is on the minus strand). VCF-style: chr9-132896324-C-T. GRCh37 (hg19) VCF-style: chr9-135771711-C-T.
Other names: c.3388G>A, p.Asp1130Asn (NM_001406603.1, NM_001406604.1); c.3043G>A, p.Asp1015Asn (NM_001406614.1, NM_001406615.1, NM_001406616.1 and 4 more transcripts); c.3040G>A, p.Asp1014Asn (NM_001406620.1, NM_001406621.1, NM_001406622.1 and 1 more transcripts); c.3403G>A, p.Asp1135Asn (NM_001162426.2, NM_001406597.1, NM_001406598.1 and 2 more transcripts); c.3253G>A, p.Asp1085Asn (NM_001162427.2, NM_001406610.1); c.3406G>A, p.Asp1136Asn (NM_001406592.1, NM_001406593.1, NM_001406594.1 and 2 more transcripts); c.3364G>A, p.Asp1122Asn (NM_001406605.1, NM_001406606.1, NM_001406607.1); c.3361G>A, p.Asp1121Asn (NM_001406608.1, NM_001406609.1); and 8 more; short protein forms D1014N, D1084N, D1131N, D1135N, D1136N, D1015N, D1121N, D785N.
Identifiers: ClinVar variation 2116953 (VCV002116953.4), dbSNP rs2131589546, ClinGen allele CA375366438.

ClinVar aggregate classification (germline): Uncertain significance (1 of 4 stars; one submission).

Conditions:
Tuberous sclerosis 1 (TSC1). Identifiers: Orphanet 805, MedGen C1854465, MONDO:0008612, OMIM 191100.

Submission:

Labcorp Genetics (formerly Invitae), Labcorp
Classification: Uncertain significance for Tuberous sclerosis 1. Last evaluated: 2023-08-17. Review status: criteria provided, single submitter. Criteria: Invitae Variant Classification Sherloc (09022015). Collection method: clinical testing. Allele origin: germline.
Comment: In summary, the available evidence is currently insufficient to determine the role of this variant in disease. Therefore, it has been classified as a Variant of Uncertain Significance. An algorithm developed to predict the effect of missense changes on protein structure and function (PolyPhen-2) suggests that this variant is likely to be tolerated. ClinVar contains an entry for this variant (Variation ID: 2116953). This variant has not been reported in the literature in individuals affected with TSC1-related conditions. This variant is not present in population databases (gnomAD no frequency). This sequence change replaces aspartic acid, which is acidic and polar, with asparagine, which is neutral and polar, at codon 1136 of the TSC1 protein (p.Asp1136Asn).